The following is an entry in ClinVar:

NM_004393.6(DAG1):c.1028C>T (p.Thr343Ile)

Gene: DAG1 (dystroglycan 1; plus strand). Cytogenetic location: 3p21.31.
Variant type: single nucleotide variant.
Coding change: c.1028C>T on transcript NM_004393.6 (MANE Select); coding-DNA position 1028, C replaced by T.
Protein change: p.Thr343Ile; replaces threonine 343 with isoleucine.
Molecular consequence: missense variant.
Genome position (GRCh38, 1-based): chr3:49,531,539, C>T. VCF-style: chr3-49531539-C-T. GRCh37 (hg19) VCF-style: chr3-49568972-C-T.
Other names: c.1028C>T, p.Thr343Ile (NM_001165928.4, NM_001177634.3, NM_001177635.3 and 9 more transcripts); short protein forms T343I.
Identifiers: ClinVar variation 2080318 (VCV002080318.4), dbSNP rs2472616192, ClinGen allele CA352794589.

ClinVar aggregate classification (germline): Uncertain significance (1 of 4 stars; one submission).

Conditions:
Autosomal recessive limb-girdle muscular dystrophy type 2P. Also called: Limb-Girdle Muscular Dystrophy Type 9C; MUSCULAR DYSTROPHY, LIMB-GIRDLE, TYPE 2P; MUSCULAR DYSTROPHY-DYSTROGLYCANOPATHY, LIMB-GIRDLE, DAG1-RELATED. Identifiers: Orphanet 280333, MedGen C4511963, MONDO:0013440, OMIM 613818.
Muscular dystrophy-dystroglycanopathy (congenital with brain and eye anomalies), type A9. Also called: Muscular dystrophy-dystroglycanopathy (congenital with brain and eye anomalies), type a, 9; WALKER-WARBURG SYNDROME OR MUSCLE-EYE BRAIN DISEASE, DAG1-RELATED. Identifiers: Orphanet 370997, Orphanet 899, MedGen C4225291, MONDO:0014683, OMIM 616538.

Submission:

Labcorp Genetics (formerly Invitae), Labcorp
Classification: Uncertain significance for Autosomal recessive limb-girdle muscular dystrophy type 2P; Muscular dystrophy-dystroglycanopathy (congenital with brain and eye anomalies), type A9. Last evaluated: 2022-12-02. Review status: criteria provided, single submitter. Criteria: Invitae Variant Classification Sherloc (09022015). Collection method: clinical testing. Allele origin: germline.
Comment: Advanced modeling of protein sequence and biophysical properties (such as structural, functional, and spatial information, amino acid conservation, physicochemical variation, residue mobility, and thermodynamic stability) performed at Invitae indicates that this missense variant is not expected to disrupt DAG1 protein function. In summary, the available evidence is currently insufficient to determine the role of this variant in disease. Therefore, it has been classified as a Variant of Uncertain Significance. This sequence change replaces threonine, which is neutral and polar, with isoleucine, which is neutral and non-polar, at codon 343 of the DAG1 protein (p.Thr343Ile). This variant is not present in population databases (gnomAD no frequency). This variant has not been reported in the literature in individuals affected with DAG1-related conditions.